The following is an entry in ClinVar:

NM_001387777.1(TNS1):c.1698C>A (p.Asp566Glu)

Gene: TNS1 (tensin 1; minus strand). Cytogenetic location: 2q35.
Variant type: single nucleotide variant.
Coding change: c.1698C>A on transcript NM_001387777.1 (MANE Select); coding-DNA position 1698, C replaced by A.
Protein change: p.Asp566Glu; replaces aspartic acid 566 with glutamic acid.
Molecular consequence: missense variant.
Genome position (GRCh38, 1-based): chr2:217,848,819, G>T on the plus strand (C>A on the coding strand, the complement: TNS1 is on the minus strand). VCF-style: chr2-217848819-G-T. GRCh37 (hg19) VCF-style: chr2-218713542-G-T.
Other names: c.1323C>A, p.Asp441Glu (NM_001308022.2, NM_001308023.2, NM_022648.7); short protein forms D441E, D566E.
Identifiers: ClinVar variation 3040902 (VCV003040902.2), dbSNP rs61740205, ClinGen allele CA2100415.

ClinVar aggregate classification (germline): Benign (0 of 4 stars; one submission).

Conditions:
TNS1-related disorder. Also called: TNS1-related condition.

Allele frequency attached by ClinVar (database versions not stated): ExAC 0.00153; gnomAD 0.00427; TOPMed 0.00470; 1000 Genomes Project 30x 0.00484; ESP Exome Variant Server 0.00523; 1000 Genomes Project 0.00539.
gnomAD v4.1: 1,259 of 1,614,068 alleles (0.078%); highest among the groups gnomAD compares: African/African-American, 1.5%; 6 homozygotes.

Submission:

PreventionGenetics, part of Exact Sciences
Classification: Benign for TNS1-related condition. Last evaluated: 2019-02-22. Review status: no assertion criteria provided. Collection method: clinical testing. Allele origin: germline.
Comment: This variant is classified as benign based on ACMG/AMP sequence variant interpretation guidelines (Richards et al. 2015 PMID: 25741868, with internal and published modifications).